The following is an entry in ClinVar:

NM_006306.4(SMC1A):c.*5016T>C

Gene: SMC1A (structural maintenance of chromosomes 1A; minus strand). Cytogenetic location: Xp11.22.
Variant type: single nucleotide variant.
Coding change: c.*5016T>C on transcript NM_006306.4 (MANE Select); 5016 bases downstream of the stop codon, T replaced by C.
Molecular consequence: 3 prime UTR variant.
Genome position (GRCh38, 1-based): chrX:53,375,087, A>G on the plus strand (T>C on the coding strand, the complement: SMC1A is on the minus strand). VCF-style: chrX-53375087-A-G. GRCh37 (hg19) VCF-style: chrX-53402008-A-G.
Other names: c.*5016T>C (NM_001281463.1).
Identifiers: ClinVar variation 368550 (VCV000368550.5), dbSNP rs17002602, ClinGen allele CA10653998.

ClinVar aggregate classification (germline): Benign (1 of 4 stars; one submission).

Conditions:
Congenital muscular hypertrophy-cerebral syndrome (CDLS2). Also called: Cornelia de Lange syndrome 2; SMC1A-Related Cornelia de Lange Syndrome. Identifiers: Orphanet 199, MedGen C1802395, MONDO:0010370, OMIM 300590.

Allele frequency attached by ClinVar (database versions not stated): TOPMed 0.00982; 1000 Genomes Project 30x 0.01374; 1000 Genomes Project 0.01377; gnomAD 0.00872 and 0.00919.

Submission:

Illumina Laboratory Services, Illumina
Classification: Benign for Congenital muscular hypertrophy-cerebral syndrome. Last evaluated: 2018-01-12. Review status: criteria provided, single submitter. Criteria: ICSL Variant Classification Criteria 13 December 2019. Collection method: clinical testing. Allele origin: germline.
Comment: This variant was observed in the ICSL laboratory as part of a predisposition screen in an ostensibly healthy population. It had not been previously curated by ICSL or reported in the Human Gene Mutation Database (HGMD: prior to June 1st, 2018), and was therefore a candidate for classification through an automated scoring system. Utilizing variant allele frequency, disease prevalence and penetrance estimates, and inheritance mode, an automated score was calculated to assess if this variant is too frequent to cause the disease. Based on the score and internal cut-off values, a variant classified as benign is not then subjected to further curation. The score for this variant resulted in a classification of benign for this disease.